The following is an entry in ClinVar:

ClinVar aggregate classification (germline): Uncertain significance (1 of 4 stars; one submission).

gnomAD v4.1: 13 of 1,614,172 alleles (0.00081%); highest among the groups gnomAD compares: Non-Finnish European, 0.0011%; no homozygotes.

Submission:

GeneDx
Classification: Uncertain significance. Last evaluated: 2023-12-17. Review status: criteria provided, single submitter. Criteria: GeneDx Variant Classification Process June 2021. Collection method: clinical testing. Allele origin: germline. Affected: yes.
Comment: Not observed at significant frequency in large population cohorts (gnomAD); In silico analysis supports that this missense variant has a deleterious effect on protein structure/function; Has not been previously published as pathogenic or benign to our knowledge

NM_001349253.2(SCN11A):c.4959G>T (p.Leu1653Phe)

Gene: SCN11A (sodium voltage-gated channel alpha subunit 11; minus strand). Cytogenetic location: 3p22.2.
Variant type: single nucleotide variant.
Coding change: c.4959G>T on transcript NM_001349253.2 (MANE Select); coding-DNA position 4959, G replaced by T.
Protein change: p.Leu1653Phe; replaces leucine 1653 with phenylalanine.
Molecular consequence: missense variant.
Genome position (GRCh38, 1-based): chr3:38,847,111, C>A on the plus strand (G>T on the coding strand, the complement: SCN11A is on the minus strand). VCF-style: chr3-38847111-C-A. GRCh37 (hg19) VCF-style: chr3-38888602-C-A.
Other names: c.4959G>T, p.Leu1653Phe (NM_014139.3); short protein forms L1653F.
Identifiers: ClinVar variation 3365808 (VCV003365808.1).